The following is an entry in ClinVar:

ClinVar aggregate classification (germline): Uncertain significance. Review status: criteria provided, single submitter (1 of 4 stars). 2 submissions from 2 submitters: Uncertain significance (1). 1 of the submissions does not count toward it. Last evaluated 2021-10-22.

Conditions:
Joubert syndrome. Also called: Familial aplasia of the vermis; CEREBELLOPARENCHYMAL DISORDER IV; JOUBERT-BOLTSHAUSER SYNDROME. Identifiers: Orphanet 475, MedGen C5979921, MONDO:0018772.
Meckel-Gruber syndrome. Also called: Dysencephalia splachnocystica; DYSENCEPHALIA SPLANCHNOCYSTICA; GRUBER SYNDROME. Identifiers: Orphanet 564, MedGen C0265215, MONDO:0018921.
Nephronophthisis. Also called: Juvenile Nephronophthisis. Identifiers: Orphanet 655, MedGen C0687120, MONDO:0019005, HP:0000090.
Leber congenital amaurosis (LCA). Also called: Leber's amaurosis. Identifiers: Orphanet 65, MedGen C0339527, MeSH D057130, MONDO:0018998.

gnomAD v4.1: 16 of 1,613,052 alleles (0.00099%); highest among the groups gnomAD compares: African/African-American, 0.0067%; 1 homozygote.

Submissions (2):

Labcorp Genetics (formerly Invitae), Labcorp
Classification: Uncertain significance for Joubert syndrome; Meckel-Gruber syndrome; Nephronophthisis. Last evaluated: 2021-10-22. Review status: criteria provided, single submitter. Criteria: Invitae Variant Classification Sherloc (09022015). Collection method: clinical testing. Allele origin: germline.
Comment: This sequence change replaces alanine with threonine at codon 1456 of the CEP290 protein (p.Ala1456Thr). The alanine residue is highly conserved and there is a small physicochemical difference between alanine and threonine. This variant is not present in population databases (ExAC no frequency). This variant has not been reported in the literature in individuals affected with CEP290-related conditions. Algorithms developed to predict the effect of missense changes on protein structure and function are either unavailable or do not agree on the potential impact of this missense change (SIFT: "Deleterious"; PolyPhen-2: "Probably Damaging"; Align-GVGD: "Class C0"). In summary, the available evidence is currently insufficient to determine the role of this variant in disease. Therefore, it has been classified as a Variant of Uncertain Significance.

Natera, Inc.
Classification: Uncertain significance for Leber congenital amaurosis. Last evaluated: 2021-04-30. Review status: no assertion criteria provided. Collection method: clinical testing. Allele origin: germline. Not counted in ClinVar's aggregate classification.

NM_025114.4(CEP290):c.4366G>A (p.Ala1456Thr)

Gene: CEP290 (centrosomal protein 290; minus strand). Cytogenetic location: 12q21.32.
Variant type: single nucleotide variant.
Coding change: c.4366G>A on transcript NM_025114.4 (MANE Select); coding-DNA position 4366, G replaced by A.
Protein change: p.Ala1456Thr; replaces alanine 1456 with threonine.
Molecular consequence: missense variant.
Genome position (GRCh38, 1-based): chr12:88,086,110, C>T on the plus strand (G>A on the coding strand, the complement: CEP290 is on the minus strand). VCF-style: chr12-88086110-C-T. GRCh37 (hg19) VCF-style: chr12-88479887-C-T.
Other names: short protein forms A1456T.
Identifiers: ClinVar variation 1042805 (VCV001042805.5), dbSNP rs375111436, ClinGen allele CA241161212.